The following is an entry in ClinVar:

NM_001242896.3(DEPDC5):c.2105-4A>G

Gene: DEPDC5 (DEP domain containing 5, GATOR1 subcomplex subunit; plus strand). Cytogenetic location: 22q12.3.
Variant type: single nucleotide variant.
Coding change: c.2105-4A>G on transcript NM_001242896.3 (MANE Select); 4 bases into the intron before coding-DNA position 2105, A replaced by G.
Molecular consequence: intron variant.
Genome position (GRCh38, 1-based): chr22:31,833,911, A>G. VCF-style: chr22-31833911-A-G. GRCh37 (hg19) VCF-style: chr22-32229897-A-G.
Other names: c.2105-4A>G (NM_001364318.2, NM_001136029.4, NM_014662.6 and 3 more transcripts); c.1871-4A>G (NM_001363854.2, NM_001242897.2, NM_001364319.2); c.2021-4A>G (NM_001369902.1, NM_001369901.1).
Identifiers: ClinVar variation 1062864 (VCV001062864.11), dbSNP rs888653334, ClinGen allele CA323331042.

ClinVar aggregate classification (germline): Conflicting classifications of pathogenicity. Review status: criteria provided, conflicting classifications (1 of 4 stars). 2 submissions from 2 submitters: Uncertain significance (1); Likely benign (1). Last evaluated 2026-01-09.

Conditions:
Familial focal epilepsy with variable foci (FPEVF). Identifiers: Orphanet 98820, MedGen C1858477, MONDO:0020310.
Inborn genetic diseases. Identifiers: MedGen C0950123, MeSH D030342.

Allele frequency attached by ClinVar (database versions not stated): gnomAD exomes below 0.00001; TOPMed below 0.00001; gnomAD 0.00002.
gnomAD v4.1: 6 of 1,559,452 alleles (0.00038%); highest among the groups gnomAD compares: Middle Eastern, 0.017%; no homozygotes.

Submissions (2):

Labcorp Genetics (formerly Invitae), Labcorp
Classification: Likely benign for Familial focal epilepsy with variable foci. Last evaluated: 2026-01-09. Review status: criteria provided, single submitter. Criteria: Invitae Variant Classification Sherloc (09022015). Collection method: clinical testing. Allele origin: germline.

Ambry Genetics
Classification: Uncertain significance for Inborn genetic diseases. Last evaluated: 2019-01-24. Review status: criteria provided, single submitter. Criteria: Ambry Variant Classification Scheme 2023. Collection method: clinical testing. Allele origin: germline.
Comment: The c.2105-4A>G intronic variant results from an A to G substitution 4 nucleotides upstream from coding exon 24 in the DEPDC5 gene. This nucleotide position is well conserved in available vertebrate species. Using the BDGP and ESEfinder splice site prediction tools, this alteration is not predicted to have any significant effect on this splice acceptor site; however, direct evidence is unavailable. Since supporting evidence is limited at this time, the clinical significance of this alteration remains unclear.